The following is an entry in ClinVar:

ClinVar aggregate classification (germline): Uncertain significance. Review status: criteria provided, multiple submitters, no conflicts (2 of 4 stars). 2 submissions from 2 submitters: Uncertain significance (2). Last evaluated 2025-11-24.

Conditions:
Familial meningioma. Also called: Meningioma, familial, susceptibility to. Identifiers: Orphanet 263662, MedGen C3551915, MONDO:0011789, OMIM 607174.

gnomAD v4.1: 2 of 1,612,994 alleles (0.00012%); highest among the groups gnomAD compares: Non-Finnish European, 0.00017%; no homozygotes.

Submissions (2):

Ambry Genetics
Classification: Uncertain significance. Last evaluated: 2025-11-24. Review status: criteria provided, single submitter. Criteria: Ambry Variant Classification Scheme 2023. Collection method: clinical testing. Allele origin: germline.

Dr. Guy Rouleau's laboratory, McGill University
Classification: Uncertain significance for Familial meningioma. Last evaluated: 2025-03-22. Review status: criteria provided, single submitter. Criteria: ACMG Guidelines, 2015. Collection method: research. Allele origin: germline. Affected: yes.
Comment: This missense variant located at the position 75, is change from Serine (S), neutral and polar amino acid to Phenylalanine (F) an aromatic amino acid in FNDC3B gene. This variant has not been reported in population database (gnomAD v.4.1.0 no frequency, exome coverage 65X). Based on the available evidence, the clinical significance of this variant is unknown.

NM_022763.4(FNDC3B):c.224C>T (p.Ser75Phe)

Gene: FNDC3B (fibronectin type III domain containing 3B; plus strand). Cytogenetic location: 3q26.31.
Variant type: single nucleotide variant.
Coding change: c.224C>T on transcript NM_022763.4 (MANE Select); coding-DNA position 224, C replaced by T.
Protein change: p.Ser75Phe; replaces serine 75 with phenylalanine.
Molecular consequence: missense variant.
Genome position (GRCh38, 1-based): chr3:172,226,907, C>T. VCF-style: chr3-172226907-C-T. GRCh37 (hg19) VCF-style: chr3-171944697-C-T.
Other names: c.224C>T (NM_022763.3); c.224C>T, p.Ser75Phe (NM_001135095.2); short protein forms S75F.
Identifiers: ClinVar variation 3774544 (VCV003774544.2).
Genomic context (GRCh38, chr3:172,226,907, plus strand): 5'-TAACATCTGACTCGTCTGTTTTAGGACCTGCTGAAGTTCCCATGATGTCACCCAATGGAT[C>T]CATTCCTCCCATTCATGTGCCTCCAGGTTATATCTCACAGGTAATCCATTTGATGGACTT-3'
Protein context (NP_073600.3, residues 65-85): AEVPMMSPNG[Ser75Phe]IPPIHVPPGY